The following is an entry in ClinVar:

NM_001385641.1(SAMD11):c.599C>T (p.Ser200Phe)

Gene: SAMD11 (sterile alpha motif domain containing 11; plus strand). Cytogenetic location: 1p36.33.
Variant type: single nucleotide variant.
Coding change: c.599C>T on transcript NM_001385641.1 (MANE Select); coding-DNA position 599, C replaced by T.
Protein change: p.Ser200Phe; replaces serine 200 with phenylalanine.
Molecular consequence: missense variant.
Genome position (GRCh38, 1-based): chr1:926,003, C>T. VCF-style: chr1-926003-C-T. GRCh37 (hg19) VCF-style: chr1-861383-C-T.
Other names: c.599C>T, p.Ser200Phe (NM_001385640.1); c.62C>T, p.Ser21Phe (NM_152486.4); short protein forms S21F, S200F.
Identifiers: ClinVar variation 1365270 (VCV001365270.6), dbSNP rs1329301928, ClinGen allele CA337788357.

ClinVar aggregate classification (germline): Uncertain significance (1 of 4 stars; one submission).

gnomAD v4.1: 6 of 1,611,628 alleles (0.00037%); highest among the groups gnomAD compares: East Asian, 0.0045%; no homozygotes.

Submission:

Labcorp Genetics (formerly Invitae), Labcorp
Classification: Uncertain significance. Last evaluated: 2026-01-26. Review status: criteria provided, single submitter. Criteria: Invitae Variant Classification Sherloc (09022015). Collection method: clinical testing. Allele origin: germline.
Comment: This sequence change replaces serine, which is neutral and polar, with phenylalanine, which is neutral and non-polar, at codon 21 of the SAMD11 protein (p.Ser21Phe). This variant is not present in population databases (gnomAD no frequency). This variant has not been reported in the literature in individuals affected with SAMD11-related conditions. ClinVar contains an entry for this variant (Variation ID: 1365270). An algorithm developed to predict the effect of missense changes on protein structure and function (PolyPhen-2) suggests that this variant is likely to be disruptive. In summary, the available evidence is currently insufficient to determine the role of this variant in disease. Therefore, it has been classified as a Variant of Uncertain Significance.